The following is an entry in ClinVar:

ClinVar aggregate classification (germline): Likely benign. Review status: criteria provided, single submitter (1 of 4 stars). 2 submissions from 2 submitters: Likely benign (1). 1 of the submissions does not count toward it. Last evaluated 2025-05-22.

Conditions:
MYBPC3-related disorder. Also called: MYBPC3-related condition; MYBPC3-related disease; MYBPC3-related disorders.
Hypertrophic cardiomyopathy. Also called: HYPERTROPHIC MYOCARDIOPATHY. Identifiers: Orphanet 217569, MedGen C0007194, MeSH D002312, MONDO:0005045, HP:0001639.

Allele frequency attached by ClinVar (database versions not stated): gnomAD exomes below 0.00001; TOPMed below 0.00001; gnomAD 0.00001.
gnomAD v4.1: 3 of 1,562,654 alleles (0.00019%); highest among the groups gnomAD compares: African/African-American, 0.0041%; no homozygotes.

Submissions (2):

Labcorp Genetics (formerly Invitae), Labcorp
Classification: Likely benign for Hypertrophic cardiomyopathy. Last evaluated: 2025-05-22. Review status: criteria provided, single submitter. Criteria: Invitae Variant Classification Sherloc (09022015). Collection method: clinical testing. Allele origin: germline.

PreventionGenetics, part of Exact Sciences
Classification: Likely benign for MYBPC3-related condition. Last evaluated: 2022-02-07. Review status: no assertion criteria provided. Collection method: clinical testing. Allele origin: germline. Not counted in ClinVar's aggregate classification.
Comment: This variant is classified as likely benign based on ACMG/AMP sequence variant interpretation guidelines (Richards et al. 2015 PMID: 25741868, with internal and published modifications).

NM_000256.3(MYBPC3):c.821+8G>A

Gene: MYBPC3 (myosin binding protein C3; minus strand). Cytogenetic location: 11p11.2.
Variant type: single nucleotide variant.
Coding change: c.821+8G>A on transcript NM_000256.3 (MANE Select); 8 bases into the intron after coding-DNA position 821, G replaced by A.
Molecular consequence: intron variant.
Genome position (GRCh38, 1-based): chr11:47,347,849, C>T on the plus strand (G>A on the coding strand, the complement: MYBPC3 is on the minus strand). VCF-style: chr11-47347849-C-T. GRCh37 (hg19) VCF-style: chr11-47369400-C-T.
Identifiers: ClinVar variation 1645813 (VCV001645813.10), dbSNP rs1362987965, ClinGen allele CA599059926.